The following is an entry in ClinVar:

NM_001048174.2(MUTYH):c.1537G>C (p.Ala513Pro)

Gene: MUTYH (mutY DNA glycosylase; minus strand). Cytogenetic location: 1p34.1.
Variant type: single nucleotide variant.
Coding change: c.1537G>C on transcript NM_001048174.2 (MANE Select); coding-DNA position 1537, G replaced by C.
Protein change: p.Ala513Pro; replaces alanine 513 with proline.
Molecular consequence: missense variant. On other transcripts: non-coding transcript variant (7).
Genome position (GRCh38, 1-based): chr1:45,329,335, C>G on the plus strand (G>C on the coding strand, the complement: MUTYH is on the minus strand). VCF-style: chr1-45329335-C-G. GRCh37 (hg19) VCF-style: chr1-45795007-C-G.
Other names: c.1537G>C, p.Ala513Pro (NM_001048171.2, NM_001048173.2, NM_001293195.2 and 6 more transcripts); c.1540G>C, p.Ala514Pro (NM_001048172.2, NM_001407071.1, NM_001407078.1 and 1 more transcripts); c.1621G>C, p.Ala541Pro (NM_001128425.2); c.1582G>C, p.Ala528Pro (NM_001293190.2); c.1570G>C, p.Ala524Pro (NM_001293191.2, NM_001407069.1, NM_001407077.1); c.1261G>C, p.Ala421Pro (NM_001293192.2, NM_001293196.2, NM_001407091.1); c.1192G>C, p.Ala398Pro (NM_001350650.2, NM_001350651.2, NM_001407082.1); c.1453G>C, p.Ala485Pro (NM_001407075.1); and 5 more; short protein forms A500P, A524P, A527P, A538P, A398P, A499P, A421P, A513P.
Identifiers: ClinVar variation 4113454 (VCV004113454.1).
Genomic context (GRCh38, chr1:45,329,335, plus strand): 5'-GATTCTCAGGGAATGGGGGCTTTCAGAGGTGTCACTGGGCTGCACTGTTGAGGCTGTGTG[C>G]ATCAGTGGAGATGTGAGACCGAAAGAAATTATCCAGGACTTGCTGGCCCATGCGGGGCTT-3'
Protein context (NP_001041639.1, residues 503-521): NFFRSHISTD[Ala513Pro]HSLNSAAQ

ClinVar aggregate classification (germline): Uncertain significance (1 of 4 stars; one submission).

Conditions:
Hereditary cancer-predisposing syndrome. Also called: Hereditary neoplastic syndrome; Neoplastic Syndromes, Hereditary; Tumor predisposition; Hereditary Cancer Syndrome. Identifiers: Orphanet 140162, MedGen C0027672, MeSH D009386, MONDO:0015356.

Submission:

Ambry Genetics
Classification: Uncertain significance for Hereditary cancer-predisposing syndrome. Last evaluated: 2025-08-27. Review status: criteria provided, single submitter. Criteria: Ambry Variant Classification Scheme 2023. Collection method: clinical testing. Allele origin: germline.
Comment: The p.A541P variant (also known as c.1621G>C), located in coding exon 16 of the MUTYH gene, results from a G to C substitution at nucleotide position 1621. The alanine at codon 541 is replaced by proline, an amino acid with highly similar properties. This amino acid position is conserved. In addition, this alteration is predicted to be tolerated by in silico analysis. Based on the available evidence, the clinical significance of this variant remains unclear.